The following is an entry in ClinVar:

NM_020795.4(NLGN2):c.1742T>C (p.Leu581Pro)

Gene: NLGN2 (neuroligin 2; plus strand). Cytogenetic location: 17p13.1.
Variant type: single nucleotide variant.
Coding change: c.1742T>C on transcript NM_020795.4 (MANE Select); coding-DNA position 1742, T replaced by C.
Protein change: p.Leu581Pro; replaces leucine 581 with proline.
Molecular consequence: missense variant.
Genome position (GRCh38, 1-based): chr17:7,417,033, T>C. VCF-style: chr17-7417033-T-C. GRCh37 (hg19) VCF-style: chr17-7320352-T-C.
Other names: short protein forms L581P.
Identifiers: ClinVar variation 3774078 (VCV003774078.2).

ClinVar aggregate classification (germline): Uncertain significance (1 of 4 stars; one submission).

Submission:

GeneDx
Classification: Uncertain significance. Last evaluated: 2026-08-02. Review status: criteria provided, single submitter. Criteria: GeneDx Variant Classification Process June 2021. Collection method: clinical testing. Allele origin: germline.
Comment: Not observed at significant frequency in large population cohorts (gnomAD); In silico analysis supports that this missense variant has a deleterious effect on protein structure/function; Has not been previously published as pathogenic or benign to our knowledge